The following is an entry in ClinVar:

ClinVar aggregate classification (germline): Uncertain significance. Review status: criteria provided, multiple submitters, no conflicts (2 of 4 stars). 4 submissions from 4 submitters: Uncertain significance (4). Last evaluated 2026-07-10.

Conditions:
Hereditary cancer-predisposing syndrome. Also called: Neoplastic Syndromes, Hereditary; Hereditary Cancer Syndrome; Hereditary neoplastic syndrome; Tumor predisposition. Identifiers: Orphanet 140162, MedGen C0027672, MeSH D009386, MONDO:0015356.
Cardiovascular phenotype. Identifiers: MedGen CN230736.
Neurofibromatosis, type 1 (NF1). Also called: VON RECKLINGHAUSEN DISEASE; Neurofibromatosis, type I; Peripheral type neurofibromatosis; NEUROFIBROMATOSIS, TYPE I, SOMATIC. Identifiers: Orphanet 636, MedGen C0027831, MONDO:0018975, OMIM 162200. Disease mechanism: loss of function.

Allele frequency attached by ClinVar (database versions not stated): gnomAD exomes below 0.00001; TOPMed 0.00001.
gnomAD v4.1: 2 of 1,613,910 alleles (0.00012%); highest among the groups gnomAD compares: African/African-American, 0.0013%; no homozygotes.

Submissions (4):

Ambry Genetics
Classification: Uncertain significance for Cardiovascular phenotype; Hereditary cancer-predisposing syndrome. Last evaluated: 2026-07-10. Review status: criteria provided, single submitter. Criteria: Ambry Variant Classification Scheme 2023. Collection method: clinical testing. Allele origin: germline.
Comment: The p.D2206N variant (also known as c.6616G>A), located in coding exon 43 of the NF1 gene, results from a G to A substitution at nucleotide position 6616. The aspartic acid at codon 2206 is replaced by asparagine, an amino acid with highly similar properties. This amino acid position is highly conserved in available vertebrate species. In addition, this alteration is predicted to be tolerated by in silico analysis. Based on the available evidence, the clinical significance of this variant remains unclear.

Labcorp Genetics (formerly Invitae), Labcorp
Classification: Uncertain significance for Neurofibromatosis, type 1. Last evaluated: 2025-11-07. Review status: criteria provided, single submitter. Criteria: Invitae Variant Classification Sherloc (09022015). Collection method: clinical testing. Allele origin: germline.
Comment: This sequence change replaces aspartic acid, which is acidic and polar, with asparagine, which is neutral and polar, at codon 2206 of the NF1 protein (p.Asp2206Asn). This variant is not present in population databases (gnomAD no frequency). This variant has not been reported in the literature in individuals affected with NF1-related conditions. ClinVar contains an entry for this variant (Variation ID: 581211). Invitae Evidence Modeling of protein sequence and biophysical properties (such as structural, functional, and spatial information, amino acid conservation, physicochemical variation, residue mobility, and thermodynamic stability) indicates that this missense variant is not expected to disrupt NF1 protein function with a negative predictive value of 95%. In summary, the available evidence is currently insufficient to determine the role of this variant in disease. Therefore, it has been classified as a Variant of Uncertain Significance.

Quest Diagnostics Nichols Institute San Juan Capistrano
Classification: Uncertain significance. Last evaluated: 2025-08-29. Review status: criteria provided, single submitter. Criteria: Quest Diagnostics criteria. Collection method: clinical testing. Allele origin: unknown.

Genome-Nilou Lab
Classification: Uncertain significance for Neurofibromatosis, type 1. Last evaluated: 2022-03-15. Review status: criteria provided, single submitter. Criteria: ACMG Guidelines, 2015. Collection method: clinical testing. Allele origin: germline. Affected: no.

NM_001042492.3(NF1):c.6679G>A (p.Asp2227Asn)

Gene: NF1 (neurofibromin 1; plus strand). Cytogenetic location: 17q11.2.
Variant type: single nucleotide variant.
Coding change: c.6679G>A on transcript NM_001042492.3 (MANE Select); coding-DNA position 6679, G replaced by A.
Protein change: p.Asp2227Asn; replaces aspartic acid 2227 with asparagine.
Molecular consequence: missense variant.
Genome position (GRCh38, 1-based): chr17:31,337,855, G>A. VCF-style: chr17-31337855-G-A. GRCh37 (hg19) VCF-style: chr17-29664873-G-A.
Other names: c.6616G>A, p.Asp2206Asn (NM_000267.4); short protein forms D2227N, D2206N.
Identifiers: ClinVar variation 581211 (VCV000581211.13), dbSNP rs993364800, ClinGen allele CA289387425.